The following is an entry in ClinVar:

ClinVar aggregate classification (germline): Likely pathogenic (1 of 4 stars; one submission).

Submission:

GeneDx
Classification: Likely pathogenic. Last evaluated: 2017-07-24. Review status: criteria provided, single submitter. Criteria: GeneDx Variant Classification (06012015). Collection method: clinical testing. Allele origin: germline. Affected: yes.
Comment: A variant that is likely pathogenic has been identified in the DCX gene. The G253R variant has not been published as a pathogenic variant, nor has it been reported as a benign variant to our knowledge. The G253R variant is not observed in large population cohorts (Lek et al., 2016; 1000 Genomes Consortium et al., 2015; Exome Variant Server). The G253R variant is a non-conservative amino acid substitution, which is likely to impact secondary protein structure as these residues differ in polarity, charge, size and/or other properties. This substitution occurs at a position that is conserved across species and in silico analysis predicts this variant is probably damaging to the protein structure/function. Additionally, a different missense variant in the same codon (G253D) as well as multiple missense variants in nearby residues have been reported in association with DCX-related syndromes (Gleeson et al., 1999; Stenson et al., 2014), supporting the functional importance of this region of the protein. Therefore, this variant is likely pathogenic; however, the possibility that it is benign cannot be excluded.

NM_001195553.2(DCX):c.757G>C (p.Gly253Arg)

Gene: DCX (doublecortin; minus strand). Cytogenetic location: Xq23.
Variant type: single nucleotide variant.
Coding change: c.757G>C on transcript NM_001195553.2 (MANE Select); coding-DNA position 757, G replaced by C.
Protein change: p.Gly253Arg; replaces glycine 253 with arginine.
Molecular consequence: missense variant.
Genome position (GRCh38, 1-based): chrX:111,333,102, C>G on the plus strand (G>C on the coding strand, the complement: DCX is on the minus strand). VCF-style: chrX-111333102-C-G. GRCh37 (hg19) VCF-style: chrX-110576330-C-G.
Other names: c.1000G>C, p.Gly334Arg (NM_000555.3); c.757G>C, p.Gly253Arg (NM_001369370.1, NM_001369371.1, NM_001369372.1 and 5 more transcripts); short protein forms G253R, G334R.
Identifiers: ClinVar variation 450436 (VCV000450436.2), dbSNP rs1556376311, ClinGen allele CA414241711.